The following is an entry in ClinVar:

ClinVar aggregate classification (germline): Benign/Likely benign. Review status: criteria provided, multiple submitters, no conflicts (2 of 4 stars). 3 submissions from 3 submitters: Benign (1); Likely benign (2). Last evaluated 2026-05-05.

Conditions:
Colorectal cancer, hereditary nonpolyposis, type 7. Identifiers: Orphanet 144, MedGen C1858380, MONDO:0013725, OMIM 614385.

Allele frequency attached by ClinVar (database versions not stated): ExAC 0.00002; gnomAD exomes 0.00001 and below 0.00001; TOPMed below 0.00001; gnomAD 0.00001.
gnomAD v4.1: 11 of 1,614,074 alleles (0.00068%); highest among the groups gnomAD compares: Non-Finnish European, 0.00076%; 1 homozygote.

Submissions (3):

Myriad Genetics, Inc.
Classification: Benign for Colorectal cancer, hereditary nonpolyposis, type 7. Last evaluated: 2026-05-05. Review status: criteria provided, single submitter. Criteria: Myriad Autosomal Dominant, Autosomal Recessive and X-Linked Classification Criteria (2023). Collection method: clinical testing. Allele origin: unknown.
Comment: This variant is considered benign. This variant is a silent/synonymous amino acid change and it is not expected to impact splicing.

Labcorp Genetics (formerly Invitae), Labcorp
Classification: Likely benign for Colorectal cancer, hereditary nonpolyposis, type 7. Last evaluated: 2025-02-09. Review status: criteria provided, single submitter. Criteria: Invitae Variant Classification Sherloc (09022015). Collection method: clinical testing. Allele origin: germline.

Ambry Genetics
Classification: Likely benign. Last evaluated: 2019-08-15. Review status: criteria provided, single submitter. Criteria: Ambry Variant Classification Scheme 2023. Collection method: clinical testing. Allele origin: germline.

NM_001040108.2(MLH3):c.2874T>C (p.Asn958=)

Gene: MLH3 (mutL homolog 3; minus strand). Cytogenetic location: 14q24.3.
Variant type: single nucleotide variant.
Coding change: c.2874T>C on transcript NM_001040108.2 (MANE Select); coding-DNA position 2874, T replaced by C.
Protein change: p.Asn958=; no amino-acid change (asparagine 958 retained).
Molecular consequence: synonymous variant.
Genome position (GRCh38, 1-based): chr14:75,046,782, A>G on the plus strand (T>C on the coding strand, the complement: MLH3 is on the minus strand). VCF-style: chr14-75046782-A-G. GRCh37 (hg19) VCF-style: chr14-75513485-A-G.
Other names: c.2874T>C, p.Asn958= (NM_014381.3).
Identifiers: ClinVar variation 701689 (VCV000701689.13), dbSNP rs751843650, ClinGen allele CA7275625.